The following continues an entry in ClinVar:

NM_000243.3(MEFV):c.501G>C (p.Glu167Asp)

Gene: MEFV. ClinVar aggregate classification (germline): Conflicting classifications of pathogenicity. Likely pathogenic (8); Uncertain significance (8).

Submissions 11 to 20 of 20:

ARUP Laboratories, Molecular Genetics and Genomics, ARUP Laboratories
Classification: Uncertain significance. Last evaluated: 2022-02-04. Review status: criteria provided, single submitter. Criteria: ARUP Molecular Germline Variant Investigation Process 2021. Collection method: clinical testing. Allele origin: germline.
Comment: The MEFV c.501G>C; p.Glu167Asp variant (rs104895079) is reported in the homozygous and compound heterozygous state in affected individuals (Ceylan 2012, Papa 2017, Ustek 2008) and is often found on the same chromosome as c.1437C>G; p.Phe479Leu (Bernot 1998, Bonyadi 2009, Mansour 2001, Neocleous 2015). However, the c.1437C>G; The.501G>C; p.Glu167Asp variant was described as likely pathogenic by a panel of experts (Van Gijn 2018) and is listed in the ClinVar database (Variation ID: 2543). The variant is described in the general population with an overall allele frequency of 0.005% (10/213,066 alleles) in the Genome Aggregation Database. The amino acid at this position is highly conserved but computational analyses are uncertain whether this variant is neutral or deleterious (REVEL: 0.535). Due to the uncertainty regarding the pathogenicity of the p.Glu167Asp variant when found individually, the clinical significance of the p.Glu167Asp variant is uncertain at this time. References: Bernot A et al. Non-founder mutations in the MEFV gene establish this gene as the cause of familial Mediterranean fever (FMF). Hum Mol Genet. 1998 Aug;7(8):1317-25. Bonyadi M et al. MEFV mutations in Iranian Azeri Turkish patients with familial Mediterranean fever. Clin Genet. 2009 Nov;76(5):477-80. Bozgeyik E et al. Next-generation screening of a panel of genes associated with periodic fever syndromes in patients with Familial Mediterranean Fever and their clinical characteristics. Genomics. 2020 Jul;112(4):2755-2762. Ceylan GG et al. Frequency of alterations in the MEFV gene and clinical signs in familial Mediterranean fever in Central Anatolia, Turkey. Genet Mol Res. 2012 May 7;11(2):1185-94. Mansour I et al. Familial Mediterranean fever in Lebanon: mutation spectrum, evidence for cases in Maronites, Greek orthodoxes, Greek catholics, Syriacs and Chiites and for an association between amyloidosis and M694V and M694I mutations. Eur J Hum Genet. 2001 Jan;9(1):51-5. Neocleous V et al. Familial Mediterranean fever associated with MEFV mutations in a large cohort of Cypriot patients. Ann Hum Genet. 2015 Jan;79(1):20-7 Papa R et al A web-based collection of genotype-phenotype associations in hereditary recurrent fevers from the Eurofever registry. Orphanet J Rare Dis. 2017 Oct 18;12(1):167. Ustek D et al. MEFV gene 3'-UTR Alu repeat polymorphisms in patients with familial Mediterranean fever. Clin Exp Rheumatol. 2008 Jul-Aug;26(4 Suppl 50):S72-6. [OR] The MEFV c.[501G>C;1437C>G]; p.[Glu167Asp;Phe479Leu] variant is a complex allele consisting of two changes on the same chromosome, p.Glu167Asp and p.Phe479Leu. Although p.Phe479Leu has been reported on its own, to the best of our knowledge p.Glu167Asp has only been reported as a complex allele with p.Phe479Leu. The complex variant has been published in the literature in both the homozygous and compound heterozygous state in individuals affected with familial Mediterranean fever (Bernot 1998, Bonyadi 2009, Mansour 2001, Neocleous 2015) and is one of the most common pathogenic MEFV variants in the Cypriot populations (Neocleous 2015). Based on available information, this variant is considered to be pathogenic. References: Bernot A et al. Non-founder mutations in the MEFV gene establish this gene as the cause of familial Mediterranean fever (FMF). Hum Mol Genet. 1998 Aug;7(8):1317-25. Bonyadi M et al. MEFV mutations in Iranian Azeri Turkish patients with familial Mediterranean fever. Clin Genet. 2009 Nov;76(5):477-80. Mansour I et al. Familial Mediterranean fever in Lebanon: mutation spectrum, evidence for cases in Maronites, Greek orthodoxes, Greek catholics, Syriacs and Chiites and for an association between amyloidosis and M694V and M694I mutations. Eur J Hum Genet. 2001 Jan;9(1):51-5. Neocleous V et al. Familial Mediterranean fever associated with MEFV mutations in a large cohort of Cypriot patients. Ann Hum Genet. 2015 Jan;79(1):20-7

Genome Diagnostics Laboratory, The Hospital for Sick Children
Classification: Likely pathogenic for Autoinflammatory syndrome. Last evaluated: 2021-09-09. Review status: criteria provided, single submitter. Criteria: ACMG Guidelines, 2015. Collection method: clinical testing. Allele origin: germline. Affected: yes.

Genome-Nilou Lab
Classification: Likely pathogenic for Familial Mediterranean fever. Last evaluated: 2021-05-18. Review status: criteria provided, single submitter. Criteria: ACMG Guidelines, 2015. Collection method: clinical testing. Allele origin: germline. Affected: no.

Mendelics
Classification: Uncertain significance for Familial Mediterranean fever. Last evaluated: 2019-05-28. Review status: criteria provided, single submitter. Criteria: Mendelics Assertion Criteria 2017. Collection method: clinical testing. Allele origin: unknown.

Institute of Human Genetics, University of Leipzig Medical Center
Classification: Uncertain significance for Familial Mediterranean fever, autosomal dominant. Last evaluated: 2019-01-01. Review status: criteria provided, single submitter. Criteria: ACMG Guidelines, 2015. Collection method: clinical testing. Allele origin: unknown. Affected: yes.

Clinical Genetics and Genomics, Karolinska University Hospital
Classification: Likely pathogenic. Last evaluated: 2017-01-11. Review status: criteria provided, single submitter. Criteria: ACMG Guidelines, 2015. Collection method: clinical testing. Allele origin: germline. Affected: yes. Observed: 7 variant alleles.

OMIM
Classification: Pathogenic for FAMILIAL MEDITERRANEAN FEVER. Last evaluated: 2009-11-01. Review status: no assertion criteria provided. Collection method: literature only. Allele origin: germline. Not counted in ClinVar's aggregate classification.

Diagnostic Laboratory, Department of Genetics, University Medical Center Groningen
Classification: Likely pathogenic. Review status: no assertion criteria provided. Collection method: clinical testing. Allele origin: germline. Affected: yes. Study: VKGL Data-share Consensus. Not counted in ClinVar's aggregate classification.

Genome Diagnostics Laboratory, University Medical Center Utrecht
Classification: Pathogenic. Review status: no assertion criteria provided. Collection method: clinical testing. Allele origin: germline. Affected: yes. Study: VKGL Data-share Consensus. Not counted in ClinVar's aggregate classification.

Unité médicale des maladies autoinflammatoires, CHRU Montpellier
No classification provided. Condition: Familial Mediterranean fever. Review status: no classification provided. Collection method: not provided. Allele origin: unknown. Not counted in ClinVar's aggregate classification.

Literature cited by the submitters: PubMed 10364520 (cited by Women's Health and Genetics/Laboratory Corporation of America, LabCorp); PubMed 10090880 (cited by Women's Health and Genetics/Laboratory Corporation of America, LabCorp); PubMed 9668175 (cited by 3 submitters); PubMed 17489852 (cited by Women's Health and Genetics/Laboratory Corporation of America, LabCorp); PubMed 10842288 (cited by Women's Health and Genetics/Laboratory Corporation of America, LabCorp); PubMed 21413889 (cited by Women's Health and Genetics/Laboratory Corporation of America, LabCorp and Labcorp Genetics (formerly Invitae), Labcorp); PubMed 10737992 (cited by Women's Health and Genetics/Laboratory Corporation of America, LabCorp); PubMed 22614345 (cited by Women's Health and Genetics/Laboratory Corporation of America, LabCorp); PubMed 19026119 (cited by Women's Health and Genetics/Laboratory Corporation of America, LabCorp); PubMed 11175300 (cited by Women's Health and Genetics/Laboratory Corporation of America, LabCorp and Labcorp Genetics (formerly Invitae), Labcorp); PubMed 19863562 (cited by Women's Health and Genetics/Laboratory Corporation of America, LabCorp and OMIM); PubMed 12180071 (cited by Women's Health and Genetics/Laboratory Corporation of America, LabCorp and Labcorp Genetics (formerly Invitae), Labcorp); PubMed 23463692 (cited by Women's Health and Genetics/Laboratory Corporation of America, LabCorp); PubMed 24469716 (cited by Women's Health and Genetics/Laboratory Corporation of America, LabCorp and Labcorp Genetics (formerly Invitae), Labcorp); PubMed 25393764 (cited by Women's Health and Genetics/Laboratory Corporation of America, LabCorp and Labcorp Genetics (formerly Invitae), Labcorp); PubMed 26247045 (cited by Women's Health and Genetics/Laboratory Corporation of America, LabCorp); PubMed 26003477 (cited by Women's Health and Genetics/Laboratory Corporation of America, LabCorp); PubMed 22661645 (cited by Women's Health and Genetics/Laboratory Corporation of America, LabCorp); PubMed 29047407 (cited by Women's Health and Genetics/Laboratory Corporation of America, LabCorp); PubMed 29178647 (cited by Women's Health and Genetics/Laboratory Corporation of America, LabCorp and Labcorp Genetics (formerly Invitae), Labcorp); PubMed 29599418 (cited by Women's Health and Genetics/Laboratory Corporation of America, LabCorp); PubMed 25708585 (cited by Women's Health and Genetics/Laboratory Corporation of America, LabCorp and Labcorp Genetics (formerly Invitae), Labcorp); PubMed 32199921 (cited by Women's Health and Genetics/Laboratory Corporation of America, LabCorp); PubMed 34120219 (cited by Women's Health and Genetics/Laboratory Corporation of America, LabCorp); PubMed 39897620 (cited by Women's Health and Genetics/Laboratory Corporation of America, LabCorp); PubMed 39150338 (cited by Women's Health and Genetics/Laboratory Corporation of America, LabCorp); PubMed 38570934 (cited by Women's Health and Genetics/Laboratory Corporation of America, LabCorp); PubMed 26351556 (cited by Labcorp Genetics (formerly Invitae), Labcorp); PubMed 33165748 (cited by Natera, Inc.); PubMed 25810876 (cited by Natera, Inc.); PubMed 31524848 (cited by Natera, Inc.); PubMed 31989427 (cited by Natera, Inc.).